The following is an entry in ClinVar:

ClinVar aggregate classification (germline): Uncertain significance. Review status: criteria provided, multiple submitters, no conflicts (2 of 4 stars). 2 submissions from 2 submitters: Uncertain significance (2). Last evaluated 2026-04-15.

Conditions:
Autoimmune lymphoproliferative syndrome type 2B. Also called: AUTOIMMUNE LYMPHOPROLIFERATIVE SYNDROME, TYPE IIB. Identifiers: Orphanet 275517, MedGen C1846545, MONDO:0011804, OMIM 607271.

Allele frequency attached by ClinVar (database versions not stated): gnomAD exomes below 0.00001; TOPMed below 0.00001.
gnomAD v4.1: 6 of 1,614,130 alleles (0.00037%); highest among the groups gnomAD compares: Middle Eastern, 0.033%; no homozygotes.

Submissions (2):

Women's Health and Genetics/Laboratory Corporation of America, LabCorp
Classification: Uncertain significance. Last evaluated: 2026-04-15. Review status: criteria provided, single submitter. Criteria: LabCorp Variant Classification Summary - May 2015. Collection method: clinical testing. Allele origin: germline.
Comment: Variant summary: CASP8 c.1466A>G (p.Lys489Arg) results in a conservative amino acid change in the encoded protein sequence. Algorithms developed to predict the effect of missense changes on protein structure and function are either unavailable or do not agree on the potential impact of this missense change. The variant allele was found at a frequency of 4e-06 in 251344 control chromosomes. The available data on variant occurrences in the general population are insufficient to allow any conclusion about variant significance. To our knowledge, no occurrence of c.1466A>G in individuals affected with CASP8-related conditions and no experimental evidence demonstrating its impact on protein function have been reported. ClinVar contains an entry for this variant (Variation ID: 1988928). Based on the evidence outlined above, the variant was classified as uncertain significance.

Labcorp Genetics (formerly Invitae), Labcorp
Classification: Uncertain significance for Autoimmune lymphoproliferative syndrome type 2B. Last evaluated: 2022-07-27. Review status: criteria provided, single submitter. Criteria: Invitae Variant Classification Sherloc (09022015). Collection method: clinical testing. Allele origin: germline.
Comment: This sequence change replaces lysine, which is basic and polar, with arginine, which is basic and polar, at codon 489 of the CASP8 protein (p.Lys489Arg). This variant is present in population databases (no rsID available, gnomAD 0.0009%). This variant has not been reported in the literature in individuals affected with CASP8-related conditions. Algorithms developed to predict the effect of missense changes on protein structure and function are either unavailable or do not agree on the potential impact of this missense change (SIFT: "Tolerated"; PolyPhen-2: "Possibly Damaging"; Align-GVGD: "Class C0"). In summary, the available evidence is currently insufficient to determine the role of this variant in disease. Therefore, it has been classified as a Variant of Uncertain Significance.

NM_001372051.1(CASP8):c.1415A>G (p.Lys472Arg)

Gene: CASP8 (caspase 8; plus strand). Cytogenetic location: 2q33.1.
Variant type: single nucleotide variant.
Coding change: c.1415A>G on transcript NM_001372051.1 (MANE Select); coding-DNA position 1415, A replaced by G.
Protein change: p.Lys472Arg; replaces lysine 472 with arginine.
Molecular consequence: missense variant. On other transcripts: non-coding transcript variant (22).
Genome position (GRCh38, 1-based): chr2:201,286,569, A>G. VCF-style: chr2-201286569-A-G. GRCh37 (hg19) VCF-style: chr2-202151292-A-G.
Other names: c.1370A>G, p.Lys457Arg (NM_001400659.1, NM_001400660.1, NM_001400661.1 and 5 more transcripts); c.1346A>G, p.Lys449Arg (NM_001400664.1); c.1340A>G, p.Lys447Arg (NM_001400665.1); c.1208A>G, p.Lys403Arg (NM_001400666.1); c.1163A>G, p.Lys388Arg (NM_001400667.1, NM_001400668.1); c.1448A>G, p.Lys483Arg (NM_001400645.1); c.1415A>G, p.Lys472Arg (NM_001400648.1, NM_001400651.1, NM_001400653.1 and 5 more transcripts); c.1106A>G, p.Lys369Arg (NM_001400669.1); and 7 more; short protein forms K267R, K273R, K369R, K447R, K449R, K457R, K516R, K388R.
Identifiers: ClinVar variation 1988928 (VCV001988928.5), dbSNP rs1387133766, ClinGen allele CA350304245.